The following is an entry in ClinVar:

NM_000343.4(SLC5A1):c.584-6G>A

Gene: SLC5A1 (solute carrier family 5 member 1; plus strand). Cytogenetic location: 22q12.3.
Variant type: single nucleotide variant.
Coding change: c.584-6G>A on transcript NM_000343.4 (MANE Select); 6 bases into the intron before coding-DNA position 584, G replaced by A.
Molecular consequence: intron variant.
Genome position (GRCh38, 1-based): chr22:32,083,068, G>A. VCF-style: chr22-32083068-G-A. GRCh37 (hg19) VCF-style: chr22-32479055-G-A.
Other names: c.584-6G>A (NM_000343.3); c.203-6G>A (NM_001256314.2).
Identifiers: ClinVar variation 1578270 (VCV001578270.11), dbSNP rs200525887, ClinGen allele CA10198012.
Genomic context (GRCh38, chr22:32,083,068, plus strand): 5'-GAAGGAAGCAAGTAGACAGGTCACCCTCCACACGAGGTCAGATGTGTTGTCTTCTTGCCT[G>A]CTTAGGGGGCCTGGCGGCGGTGATTTACACGGACACCTTGCAGACGGTGATCATGCTGGT-3'

ClinVar aggregate classification (germline): Likely benign. Review status: criteria provided, multiple submitters, no conflicts (2 of 4 stars). 4 submissions from 4 submitters: Likely benign (4). Last evaluated 2025-11-09.

Conditions:
SLC5A1-related disorder. Also called: SLC5A1-related condition.
Congenital glucose-galactose malabsorption (GGM). Also called: DIARRHEA 16; MONOSACCHARIDE MALABSORPTION. Identifiers: Orphanet 35710, MedGen C0268186, MONDO:0011731, OMIM 606824.

Allele frequency attached by ClinVar (database versions not stated): ESP Exome Variant Server 0.00038.
gnomAD v4.1: 517 of 1,613,976 alleles (0.032%); highest among the groups gnomAD compares: Non-Finnish European, 0.042%; 1 homozygote.

Submissions (4):

Labcorp Genetics (formerly Invitae), Labcorp
Classification: Likely benign for Congenital glucose-galactose malabsorption. Last evaluated: 2025-11-09. Review status: criteria provided, single submitter. Criteria: Invitae Variant Classification Sherloc (09022015). Collection method: clinical testing. Allele origin: germline.

PreventionGenetics, part of Exact Sciences
Classification: Likely benign for SLC5A1-related condition. Last evaluated: 2025-06-04. Review status: criteria provided, single submitter. Criteria: ACMG Guidelines, 2015. Collection method: clinical testing. Allele origin: germline.
Comment: This variant is classified as likely benign based on ACMG/AMP sequence variant interpretation guidelines (Richards et al. 2015 PMID: 25741868, with internal and published modifications).

Blueprint Genetics
Classification: Likely benign. Last evaluated: 2024-10-23. Review status: criteria provided, single submitter. Criteria: ACMG Guidelines, 2015. Collection method: clinical testing. Allele origin: germline.

Fulgent Genetics
Classification: Likely benign for Congenital glucose-galactose malabsorption. Last evaluated: 2021-12-30. Review status: criteria provided, single submitter. Criteria: ACMG Guidelines, 2015. Collection method: clinical testing. Allele origin: unknown.